The following is an entry in ClinVar:

ClinVar aggregate classification (germline): not provided (0 of 4 stars; one submission).

Conditions:
Familial cold autoinflammatory syndrome 1 (FCAS1). Also called: CRYOPYRIN-ASSOCIATED PERIODIC SYNDROME 1; Familial cold inflammatory syndrome 1. Identifiers: Orphanet 47045, MedGen C4551895, MONDO:0007349, OMIM 120100.

Submission:

Unité médicale des maladies autoinflammatoires, CHRU Montpellier
No classification provided. Condition: Familial cold urticaria. Review status: no classification provided. Collection method: not provided. Allele origin: unknown.
Comment: also involved in OMIM 191900 and 607115

NM_001243133.2(NLRP3):c.916C>G (p.Gln306Glu)

Gene: NLRP3 (NLR family pyrin domain containing 3; plus strand). Cytogenetic location: 1q44.
Variant type: single nucleotide variant.
Coding change: c.916C>G on transcript NM_001243133.2 (MANE Select); coding-DNA position 916, C replaced by G.
Protein change: p.Gln306Glu; replaces glutamine 306 with glutamic acid.
Molecular consequence: missense variant.
Genome position (GRCh38, 1-based): chr1:247,424,365, C>G. VCF-style: chr1-247424365-C-G. GRCh37 (hg19) VCF-style: chr1-247587667-C-G.
Other names: c.916C>G, p.Gln306Glu (NM_001079821.3, NM_001127461.3, NM_001127462.3 and 1 more transcripts); c.922C>G, p.Gln308Glu (NM_004895.5); short protein forms Q308E, Q306E.
Identifiers: ClinVar variation 97984 (VCV000097984.1), dbSNP rs180177432, ClinGen allele CA281411.